The following is an entry in ClinVar:

NM_170741.4(KCNJ16):c.467T>G (p.Leu156Ter)

Gene: KCNJ16 (potassium inwardly rectifying channel subfamily J member 16; plus strand). Cytogenetic location: 17q24.3.
Variant type: single nucleotide variant.
Coding change: c.467T>G on transcript NM_170741.4 (MANE Select); coding-DNA position 467, T replaced by G.
Protein change: p.Leu156Ter; replaces leucine 156 with a stop codon.
Molecular consequence: nonsense.
Genome position (GRCh38, 1-based): chr17:70,132,554, T>G. VCF-style: chr17-70132554-T-G. GRCh37 (hg19) VCF-style: chr17-68128695-T-G.
Other names: c.467T>G, p.Leu156Ter (NM_001270422.2, NM_001291622.3, NM_001291623.2 and 4 more transcripts); short protein forms L156*.
Identifiers: ClinVar variation 2636067 (VCV002636067.1), dbSNP rs368613259, ClinGen allele CA8738496.

ClinVar aggregate classification (germline): Likely pathogenic (1 of 4 stars; one submission).

Conditions:
KCNJ16-related disorder. Also called: KCNJ16-related condition.

Allele frequency attached by ClinVar (database versions not stated): ExAC 0.00001; gnomAD 0.00001; TOPMed 0.00003; gnomAD exomes 0.00007; ESP Exome Variant Server 0.00015.
gnomAD v4.1: 97 of 1,614,128 alleles (0.006%); highest among the groups gnomAD compares: Non-Finnish European, 0.008%; no homozygotes.

Submission:

PreventionGenetics, part of Exact Sciences
Classification: Likely pathogenic for KCNJ16-related condition. Last evaluated: 2023-04-03. Review status: criteria provided, single submitter. Criteria: ACMG Guidelines, 2015. Collection method: clinical testing. Allele origin: germline.
Comment: The KCNJ16 c.572T>G variant is predicted to result in premature protein termination (p.Leu191*). To our knowledge, this variant has not been reported in the literature. This variant is reported in 0.0035% of alleles in individuals of European (Non-Finnish) descent in gnomAD. Other nonsense variants in KCNJ16 have been reported in patients with hypokalemic metabolic acidosis and sensorineural deafness phenotypes (see, for example, Webb et al. 2021. PubMed ID: 33840812; Schlingmann et al. 2021. PubMed ID: 33811157 ). Taken together, we interpret this variant as likely pathogenic.